The following is an entry in ClinVar:

NM_052867.4(NALCN):c.515+10_515+11delinsTT

Gene: NALCN (sodium leak channel, non-selective; minus strand). Cytogenetic location: 13q33.1.
Variant type: Indel.
Coding change: c.515+10_515+11delinsTT on transcript NM_052867.4 (MANE Select); bases 10 to 11 of the intron after coding-DNA position 515, GC replaced by TT.
Molecular consequence: intron variant.
Genome position (GRCh38, 1-based): chr13:101,376,906-101,376,907, GC replaced by AA on the plus strand (GC replaced by TT on the coding strand, the reverse complement: NALCN is on the minus strand). VCF-style: chr13-101376906-GC-AA. GRCh37 (hg19) VCF-style: chr13-102029257-GC-AA.
Other names: c.515+10_515+11delinsTT (NM_001350751.2, NM_001350749.2, NM_001350750.2 and 1 more transcripts).
Identifiers: ClinVar variation 3610453 (VCV003610453.2).

ClinVar aggregate classification (germline): Uncertain significance (1 of 4 stars; one submission).

Submission:

Labcorp Genetics (formerly Invitae), Labcorp
Classification: Uncertain significance. Last evaluated: 2024-06-18. Review status: criteria provided, single submitter. Criteria: Invitae Variant Classification Sherloc (09022015). Collection method: clinical testing. Allele origin: germline.
Comment: This sequence change falls in intron 5 of the NALCN gene. It does not directly change the encoded amino acid sequence of the NALCN protein. Information on the frequency of this variant in the gnomAD database is not available, as this variant may be reported differently in the database. This variant has not been reported in the literature in individuals affected with NALCN-related conditions. Experimental studies and prediction algorithms are not available or were not evaluated, and the effect of this variant on mRNA splicing is currently unknown. In summary, the available evidence is currently insufficient to determine the role of this variant in disease. Therefore, it has been classified as a Variant of Uncertain Significance.